The following is an entry in ClinVar:

NM_033026.6(PCLO):c.305C>T (p.Pro102Leu)

Gene: PCLO (piccolo presynaptic cytomatrix protein; minus strand). Cytogenetic location: 7q21.11.
Variant type: single nucleotide variant.
Coding change: c.305C>T on transcript NM_033026.6 (MANE Select); coding-DNA position 305, C replaced by T.
Protein change: p.Pro102Leu; replaces proline 102 with leucine.
Molecular consequence: missense variant.
Genome position (GRCh38, 1-based): chr7:83,156,336, G>A on the plus strand (C>T on the coding strand, the complement: PCLO is on the minus strand). VCF-style: chr7-83156336-G-A. GRCh37 (hg19) VCF-style: chr7-82785652-G-A.
Other names: c.305C>T, p.Pro102Leu (NM_014510.3); short protein forms P102L.
Identifiers: ClinVar variation 1441500 (VCV001441500.3), dbSNP rs1430427575, ClinGen allele CA367921520.

ClinVar aggregate classification (germline): Uncertain significance (1 of 4 stars; one submission).

Allele frequency attached by ClinVar (database versions not stated): gnomAD exomes below 0.00001 and 0.00001; TOPMed below 0.00001.
gnomAD v4.1: 8 of 1,613,006 alleles (0.0005%); highest among the groups gnomAD compares: Non-Finnish European, 0.00068%; no homozygotes.

Submission:

Labcorp Genetics (formerly Invitae), Labcorp
Classification: Uncertain significance. Last evaluated: 2021-08-27. Review status: criteria provided, single submitter. Criteria: Invitae Variant Classification Sherloc (09022015). Collection method: clinical testing. Allele origin: germline.
Comment: This sequence change replaces proline with leucine at codon 102 of the PCLO protein (p.Pro102Leu). The proline residue is moderately conserved and there is a moderate physicochemical difference between proline and leucine. This variant is not present in population databases (ExAC no frequency). This variant has not been reported in the literature in individuals affected with PCLO-related conditions. Algorithms developed to predict the effect of missense changes on protein structure and function output the following: SIFT: "Deleterious"; PolyPhen-2: "Not Available"; Align-GVGD: "Class C0". The leucine amino acid residue is found in multiple mammalian species, which suggests that this missense change does not adversely affect protein function. In summary, the available evidence is currently insufficient to determine the role of this variant in disease. Therefore, it has been classified as a Variant of Uncertain Significance.